The following is an entry in ClinVar:

ClinVar aggregate classification (germline): Uncertain significance (1 of 4 stars; one submission).

gnomAD v4.1: 2 of 1,613,424 alleles (0.00012%); highest among the groups gnomAD compares: Non-Finnish European, 0.00017%; no homozygotes.

Submission:

CeGaT Center for Human Genetics Tuebingen
Classification: Uncertain significance. Last evaluated: 2026-07-01. Review status: criteria provided, single submitter. Criteria: CeGaT Center For Human Genetics Tuebingen Variant Classification Criteria Version 2. Collection method: clinical testing. Allele origin: germline. Affected: yes. Observed: 1 variant allele.
Comment: SRC: PM2

NM_198291.3(SRC):c.661A>G (p.Thr221Ala)

Gene: SRC (SRC proto-oncogene, non-receptor tyrosine kinase; plus strand). Cytogenetic location: 20q11.23.
Variant type: single nucleotide variant.
Coding change: c.661A>G on transcript NM_198291.3 (MANE Select); coding-DNA position 661, A replaced by G.
Protein change: p.Thr221Ala; replaces threonine 221 with alanine.
Molecular consequence: missense variant.
Genome position (GRCh38, 1-based): chr20:37,396,269, A>G. VCF-style: chr20-37396269-A-G. GRCh37 (hg19) VCF-style: chr20-36024672-A-G.
Other names: c.661A>G, p.Thr221Ala (NM_005417.5); short protein forms T221A.
Identifiers: ClinVar variation 5040107 (VCV005040107.1).
Genomic context (GRCh38, chr20:37,396,269, plus strand): 5'-AACGTGAAGCACTACAAGATCCGCAAGCTGGACAGCGGCGGCTTCTACATCACCTCCCGC[A>G]CCCAGTTCAACAGCCTGCAGCAGCTGGTGGCCTACTACTCCAGTGAGCCAGCCTCGGAGG-3'
Protein context (NP_938033.1, residues 211-231): DSGGFYITSR[Thr221Ala]QFNSLQQLVA